The following is an entry in ClinVar:

NM_000264.5(PTCH1):c.2605A>G (p.Met869Val)

Gene: PTCH1 (patched 1; minus strand). Cytogenetic location: 9q22.32.
Variant type: single nucleotide variant.
Coding change: c.2605A>G on transcript NM_000264.5 (MANE Select); coding-DNA position 2605, A replaced by G.
Protein change: p.Met869Val; replaces methionine 869 with valine.
Molecular consequence: missense variant. On other transcripts: non-coding transcript variant (1).
Genome position (GRCh38, 1-based): chr9:95,461,954, T>C on the plus strand (A>G on the coding strand, the complement: PTCH1 is on the minus strand). VCF-style: chr9-95461954-T-C. GRCh37 (hg19) VCF-style: chr9-98224236-T-C.
Other names: c.2407A>G, p.Met803Val (NM_001083602.3); c.2602A>G, p.Met868Val (NM_001083603.3); c.2152A>G, p.Met718Val (NM_001083604.3, NM_001083605.3, NM_001083606.3 and 1 more transcripts); c.2449A>G, p.Met817Val (NM_001354918.2); short protein forms M718V, M803V, M817V, M868V, M869V.
Identifiers: ClinVar variation 1311946 (VCV001311946.6), dbSNP rs2136689015, ClinGen allele CA374113493.

ClinVar aggregate classification (germline): Uncertain significance. Review status: criteria provided, multiple submitters, no conflicts (2 of 4 stars). 2 submissions from 2 submitters: Uncertain significance (2). Last evaluated 2023-01-30.

Conditions:
Gorlin syndrome. Also called: Nevoid Basal Cell Carcinoma Syndrome; Basal cell nevus syndrome. Identifiers: Orphanet 377, MedGen C0004779, MONDO:0007187.

Submissions (2):

Labcorp Genetics (formerly Invitae), Labcorp
Classification: Uncertain significance for Gorlin syndrome. Last evaluated: 2023-01-30. Review status: criteria provided, single submitter. Criteria: Invitae Variant Classification Sherloc (09022015). Collection method: clinical testing. Allele origin: germline.
Comment: Advanced modeling of protein sequence and biophysical properties (such as structural, functional, and spatial information, amino acid conservation, physicochemical variation, residue mobility, and thermodynamic stability) performed at Invitae indicates that this missense variant is not expected to disrupt PTCH1 protein function. ClinVar contains an entry for this variant (Variation ID: 1311946). This variant has not been reported in the literature in individuals affected with PTCH1-related conditions. This variant is not present in population databases (gnomAD no frequency). This sequence change replaces methionine, which is neutral and non-polar, with valine, which is neutral and non-polar, at codon 869 of the PTCH1 protein (p.Met869Val). In summary, the available evidence is currently insufficient to determine the role of this variant in disease. Therefore, it has been classified as a Variant of Uncertain Significance.

GeneDx
Classification: Uncertain significance. Last evaluated: 2022-06-30. Review status: criteria provided, single submitter. Criteria: GeneDx Variant Classification Process June 2021. Collection method: clinical testing. Allele origin: germline. Affected: yes.
Comment: Not observed in large population cohorts (gnomAD); In silico analysis supports that this missense variant does not alter protein structure/function; Has not been previously published as pathogenic or benign to our knowledge; This variant is associated with the following publications: (PMID: 8906794)